The following is an entry in ClinVar:

NM_001453.3(FOXC1):c.305A>G (p.Asn102Ser)

Genes: FOXC1 (forkhead box C1; plus strand), LOC129995601 (ATAC-STARR-seq lymphoblastoid active region 23864; plus strand). Cytogenetic location: 6p25.3.
Variant type: single nucleotide variant.
Coding change: c.305A>G on transcript NM_001453.3 (MANE Select); coding-DNA position 305, A replaced by G.
Protein change: p.Asn102Ser; replaces asparagine 102 with serine.
Molecular consequence: missense variant.
Genome position (GRCh38, 1-based): chr6:1,610,750, A>G. VCF-style: chr6-1610750-A-G. GRCh37 (hg19) VCF-style: chr6-1610985-A-G.
Other names: short protein forms N102S.
Identifiers: ClinVar variation 3606076 (VCV003606076.2).
Genomic context (GRCh38, chr6:1,610,750, plus strand): 5'-GCTACATCGCGCTCATCACCATGGCCATCCAGAACGCCCCGGACAAGAAGATCACCCTGA[A>G]CGGCATCTACCAGTTCATCATGGACCGCTTCCCCTTCTACCGGGACAACAAGCAGGGCTG-3'
Protein context (NP_001444.2, residues 92-112): QNAPDKKITL[Asn102Ser]GIYQFIMDRF

ClinVar aggregate classification (germline): Uncertain significance (1 of 4 stars; one submission).

Conditions:
Axenfeld-Rieger syndrome type 3 (RIEG3). Also called: AXENFELD-RIEGER ANOMALY WITH CARDIAC DEFECTS AND/OR SENSORINEURAL HEARING LOSS. Identifiers: Orphanet 782, MedGen C2678503, MONDO:0011233, OMIM 602482.

Submission:

Labcorp Genetics (formerly Invitae), Labcorp
Classification: Uncertain significance for Axenfeld-Rieger syndrome type 3. Last evaluated: 2024-12-25. Review status: criteria provided, single submitter. Criteria: Invitae Variant Classification Sherloc (09022015). Collection method: clinical testing. Allele origin: germline.
Comment: This sequence change replaces asparagine, which is neutral and polar, with serine, which is neutral and polar, at codon 102 of the FOXC1 protein (p.Asn102Ser). This variant is present in population databases (no rsID available, gnomAD 0.007%). This variant has not been reported in the literature in individuals affected with FOXC1-related conditions. An algorithm developed to predict the effect of missense changes on protein structure and function (PolyPhen-2) suggests that this variant is likely to be disruptive. In summary, the available evidence is currently insufficient to determine the role of this variant in disease. Therefore, it has been classified as a Variant of Uncertain Significance.